The following is an entry in ClinVar:

NM_194293.4(XIRP1):c.4048C>G (p.Pro1350Ala)

Gene: XIRP1 (xin actin binding repeat containing 1; minus strand). Cytogenetic location: 3p22.2.
Variant type: single nucleotide variant.
Coding change: c.4048C>G on transcript NM_194293.4 (MANE Select); coding-DNA position 4048, C replaced by G.
Protein change: p.Pro1350Ala; replaces proline 1350 with alanine.
Molecular consequence: missense variant. On other transcripts: 3 prime UTR variant (1).
Genome position (GRCh38, 1-based): chr3:39,185,398, G>C on the plus strand (C>G on the coding strand, the complement: XIRP1 is on the minus strand). VCF-style: chr3-39185398-G-C. GRCh37 (hg19) VCF-style: chr3-39226889-G-C.
Other names: c.*255C>G (NM_001198621.4); c.97C>G, p.Pro33Ala (NM_001351377.2); short protein forms P1350A, P33A.
Identifiers: ClinVar variation 3038745 (VCV003038745.2), dbSNP rs549103121, ClinGen allele CA2325926.

ClinVar aggregate classification (germline): Likely benign (0 of 4 stars; one submission).

Conditions:
XIRP1-related disorder. Also called: XIRP1-related condition.

Allele frequency attached by ClinVar (database versions not stated): gnomAD 0.00020; 1000 Genomes Project 30x 0.00031; gnomAD exomes 0.00039; 1000 Genomes Project 0.00040; ExAC 0.00083.

Submission:

PreventionGenetics, part of Exact Sciences
Classification: Likely benign for XIRP1-related condition. Last evaluated: 2019-05-27. Review status: no assertion criteria provided. Collection method: clinical testing. Allele origin: germline.
Comment: This variant is classified as likely benign based on ACMG/AMP sequence variant interpretation guidelines (Richards et al. 2015 PMID: 25741868, with internal and published modifications).